The following is an entry in ClinVar:

ClinVar aggregate classification (germline): Uncertain significance. Review status: criteria provided, multiple submitters, no conflicts (2 of 4 stars). 2 submissions from 2 submitters: Uncertain significance (2). Last evaluated 2024-05-08.

Allele frequency attached by ClinVar (database versions not stated): ExAC 0.00001.
gnomAD v4.1: 26 of 1,613,810 alleles (0.0016%); highest among the groups gnomAD compares: Non-Finnish European, 0.0019%; no homozygotes.

Submissions (2):

Athena Diagnostics
Classification: Uncertain significance. Last evaluated: 2024-05-08. Review status: criteria provided, single submitter. Criteria: Athena Diagnostics Criteria. Collection method: clinical testing. Allele origin: unknown.
Comment: Available data are insufficient to determine the clinical significance of the variant at this time. The frequency of this variant in the general population is uninformative in assessment of its pathogenicity. Polyphen and MutationTaster predict this amino acid change may be benign.

Labcorp Genetics (formerly Invitae), Labcorp
Classification: Uncertain significance. Last evaluated: 2023-08-11. Review status: criteria provided, single submitter. Criteria: Invitae Variant Classification Sherloc (09022015). Collection method: clinical testing. Allele origin: germline.
Comment: This sequence change replaces arginine, which is basic and polar, with glycine, which is neutral and non-polar, at codon 59 of the FGF14 protein (p.Arg59Gly). This variant is present in population databases (rs770377611, gnomAD 0.007%). In summary, the available evidence is currently insufficient to determine the role of this variant in disease. Therefore, it has been classified as a Variant of Uncertain Significance. Algorithms developed to predict the effect of sequence changes on RNA splicing suggest that this variant may disrupt the consensus splice site. Advanced modeling of protein sequence and biophysical properties (such as structural, functional, and spatial information, amino acid conservation, physicochemical variation, residue mobility, and thermodynamic stability) performed at Invitae indicates that this missense variant is not expected to disrupt FGF14 protein function. This variant has not been reported in the literature in individuals affected with FGF14-related conditions.

NM_004115.4(FGF14):c.175C>G (p.Arg59Gly)

Gene: FGF14 (fibroblast growth factor 14; minus strand). Cytogenetic location: 13q33.1.
Variant type: single nucleotide variant.
Coding change: c.175C>G on transcript NM_004115.4 (MANE Select); coding-DNA position 175, C replaced by G.
Protein change: p.Arg59Gly; replaces arginine 59 with glycine.
Molecular consequence: missense variant. On other transcripts: intron variant (21).
Genome position (GRCh38, 1-based): chr13:101,916,471, G>C on the plus strand (C>G on the coding strand, the complement: FGF14 is on the minus strand). VCF-style: chr13-101916471-G-C. GRCh37 (hg19) VCF-style: chr13-102568821-G-C.
Other names: c.175C>G (NM_004115.3); c.53-41175C>G (NM_001321947.2); c.92-41175C>G (NM_001379342.1, NM_001321948.2, NM_001321945.2); c.-59-41175C>G (NM_001321946.2, NM_001321949.1, NM_001321943.1 and 4 more transcripts); c.14-41175C>G (NM_001321938.2, NM_001321940.1, NM_001321933.1); c.209-47643C>G (NM_001321939.2); c.209-41175C>G (NM_175929.3, NM_001321937.2); c.8-41175C>G (NM_001321941.2); and 1 more; short protein forms R59G.
Identifiers: ClinVar variation 2759197 (VCV002759197.4), dbSNP rs770377611, ClinGen allele CA7037263.